The following is an entry in ClinVar:

NM_005883.3(APC2):c.5030G>C (p.Arg1677Pro)

Gene: APC2 (APC regulator of WNT signaling pathway 2; plus strand). Cytogenetic location: 19p13.3.
Variant type: single nucleotide variant.
Coding change: c.5030G>C on transcript NM_005883.3 (MANE Select); coding-DNA position 5030, G replaced by C.
Protein change: p.Arg1677Pro; replaces arginine 1677 with proline.
Molecular consequence: missense variant.
Genome position (GRCh38, 1-based): chr19:1,468,331, G>C. VCF-style: chr19-1468331-G-C. GRCh37 (hg19) VCF-style: chr19-1468330-G-C.
Other names: c.5027G>C, p.Arg1676Pro (NM_001351273.1); c.5030G>C (NM_005883.2); short protein forms R1677P, R1676P.
Identifiers: ClinVar variation 2182035 (VCV002182035.3), dbSNP rs541275280, ClinGen allele CA9045949.

ClinVar aggregate classification (germline): Uncertain significance. Review status: criteria provided, multiple submitters, no conflicts (2 of 4 stars). 2 submissions from 2 submitters: Uncertain significance (2). Last evaluated 2023-05-23.

Conditions:
Inborn genetic diseases. Identifiers: MedGen C0950123, MeSH D030342.

Allele frequency attached by ClinVar (database versions not stated): gnomAD 0.00008; 1000 Genomes Project 30x 0.00016; 1000 Genomes Project 0.00020.
gnomAD v4.1: 119 of 1,556,916 alleles (0.0076%); highest among the groups gnomAD compares: South Asian, 0.078%; 1 homozygote.

Submissions (2):

Ambry Genetics
Classification: Uncertain significance for Inborn genetic diseases. Last evaluated: 2023-05-23. Review status: criteria provided, single submitter. Criteria: Ambry Variant Classification Scheme 2023. Collection method: clinical testing. Allele origin: germline.

Labcorp Genetics (formerly Invitae), Labcorp
Classification: Uncertain significance. Last evaluated: 2022-08-17. Review status: criteria provided, single submitter. Criteria: Invitae Variant Classification Sherloc (09022015). Collection method: clinical testing. Allele origin: germline.
Comment: This sequence change replaces arginine, which is basic and polar, with proline, which is neutral and non-polar, at codon 1677 of the APC2 protein (p.Arg1677Pro). This variant is present in population databases (rs541275280, gnomAD 0.09%). This variant has not been reported in the literature in individuals affected with APC2-related conditions. Algorithms developed to predict the effect of missense changes on protein structure and function output the following: SIFT: "Tolerated"; PolyPhen-2: "Benign"; Align-GVGD: "Class C0". The proline amino acid residue is found in multiple mammalian species, which suggests that this missense change does not adversely affect protein function. In summary, the available evidence is currently insufficient to determine the role of this variant in disease. Therefore, it has been classified as a Variant of Uncertain Significance.